The following is an entry in ClinVar:

NM_004629.2(FANCG):c.1268G>T (p.Arg423Leu)

Gene: FANCG (FA complementation group G; minus strand). Cytogenetic location: 9p13.3.
Variant type: single nucleotide variant.
Coding change: c.1268G>T on transcript NM_004629.2 (MANE Select); coding-DNA position 1268, G replaced by T.
Protein change: p.Arg423Leu; replaces arginine 423 with leucine.
Molecular consequence: missense variant.
Genome position (GRCh38, 1-based): chr9:35,075,630, C>A on the plus strand (G>T on the coding strand, the complement: FANCG is on the minus strand). VCF-style: chr9-35075630-C-A. GRCh37 (hg19) VCF-style: chr9-35075627-C-A.
Other names: short protein forms R423L.
Identifiers: ClinVar variation 4870988 (VCV004870988.1).
Genomic context (GRCh38, chr9:35,075,630, plus strand): 5'-TTGGTTCCTTTTCTGGCATCTTCCCACAGCCGGGACATCTTGGGTAGCAGAGATGATGTG[C>A]GGCTGAGCAACTCCTCACATAGAGTCAAGGCATCTTGGGCTCTGCCTGCCTGGATCAGTG-3'
Protein context (NP_004620.1, residues 413-433): ALTLCEELLS[Arg423Leu]TSSLLPKMSR

ClinVar aggregate classification (germline): Uncertain significance (1 of 4 stars; one submission).

Conditions:
Inborn genetic diseases. Identifiers: MedGen C0950123, MeSH D030342.

Submission:

Ambry Genetics
Classification: Uncertain significance for Inborn genetic diseases. Last evaluated: 2026-04-18. Review status: criteria provided, single submitter. Criteria: Ambry Variant Classification Scheme 2023. Collection method: clinical testing. Allele origin: germline.
Comment: The p.R423L variant (also known as c.1268G>T), located in coding exon 10 of the FANCG gene, results from a G to T substitution at nucleotide position 1268. The arginine at codon 423 is replaced by leucine, an amino acid with dissimilar properties. This amino acid position is conserved. In addition, this alteration is predicted to be tolerated by in silico analysis. Based on the available evidence, the clinical significance of this variant remains unclear.